The following is an entry in ClinVar:

ClinVar aggregate classification (germline): Likely benign (1 of 4 stars; one submission).

gnomAD v4.1: 3 of 1,606,886 alleles (0.00019%); highest among the groups gnomAD compares: South Asian, 0.0011%; no homozygotes.

Submission:

CeGaT Center for Human Genetics Tuebingen
Classification: Likely benign. Last evaluated: 2025-11-01. Review status: criteria provided, single submitter. Criteria: CeGaT Center For Human Genetics Tuebingen Variant Classification Criteria Version 2. Collection method: clinical testing. Allele origin: germline. Affected: yes. Observed: 1 variant allele.
Comment: RAB3GAP2: BP4, BP7

NM_012414.4(RAB3GAP2):c.1293A>G (p.Gly431=)

Gene: RAB3GAP2 (RAB3 GTPase activating non-catalytic protein subunit 2; minus strand). Cytogenetic location: 1q41.
Variant type: single nucleotide variant.
Coding change: c.1293A>G on transcript NM_012414.4 (MANE Select); coding-DNA position 1293, A replaced by G.
Protein change: p.Gly431=; no amino-acid change (glycine 431 retained).
Molecular consequence: synonymous variant.
Genome position (GRCh38, 1-based): chr1:220,191,262, T>C on the plus strand (A>G on the coding strand, the complement: RAB3GAP2 is on the minus strand). VCF-style: chr1-220191262-T-C. GRCh37 (hg19) VCF-style: chr1-220364604-T-C.
Identifiers: ClinVar variation 4535172 (VCV004535172.6).